The following is an entry in ClinVar:

NM_025144.4(ALPK1):c.1810G>A (p.Asp604Asn)

Gene: ALPK1 (alpha kinase 1; plus strand). Cytogenetic location: 4q25.
Variant type: single nucleotide variant.
Coding change: c.1810G>A on transcript NM_025144.4 (MANE Select); coding-DNA position 1810, G replaced by A.
Protein change: p.Asp604Asn; replaces aspartic acid 604 with asparagine.
Molecular consequence: missense variant.
Genome position (GRCh38, 1-based): chr4:112,431,357, G>A. VCF-style: chr4-112431357-G-A. GRCh37 (hg19) VCF-style: chr4-113352513-G-A.
Other names: c.1810G>A, p.Asp604Asn (NM_001102406.2); c.1576G>A, p.Asp526Asn (NM_001253884.2); short protein forms D526N, D604N.
Identifiers: ClinVar variation 2054223 (VCV002054223.5), dbSNP rs377063660, ClinGen allele CA3046802.

ClinVar aggregate classification (germline): Uncertain significance. Review status: criteria provided, multiple submitters, no conflicts (2 of 4 stars). 2 submissions from 2 submitters: Uncertain significance (2). Last evaluated 2025-04-28.

Conditions:
Inborn genetic diseases. Identifiers: MedGen C0950123, MeSH D030342.

Allele frequency attached by ClinVar (database versions not stated): 1000 Genomes Project 30x 0.00016; 1000 Genomes Project 0.00020.
gnomAD v4.1: 44 of 1,614,196 alleles (0.0027%); highest among the groups gnomAD compares: Admixed American, 0.018%; no homozygotes.

Submissions (2):

Labcorp Genetics (formerly Invitae), Labcorp
Classification: Uncertain significance. Last evaluated: 2025-04-28. Review status: criteria provided, single submitter. Criteria: Invitae Variant Classification Sherloc (09022015). Collection method: clinical testing. Allele origin: germline.
Comment: This sequence change replaces aspartic acid, which is acidic and polar, with asparagine, which is neutral and polar, at codon 604 of the ALPK1 protein (p.Asp604Asn). This variant is present in population databases (rs377063660, gnomAD 0.03%). This variant has not been reported in the literature in individuals affected with ALPK1-related conditions. ClinVar contains an entry for this variant (Variation ID: 2054223). Invitae Evidence Modeling of protein sequence and biophysical properties (such as structural, functional, and spatial information, amino acid conservation, physicochemical variation, residue mobility, and thermodynamic stability) indicates that this missense variant is not expected to disrupt ALPK1 protein function with a negative predictive value of 80%. In summary, the available evidence is currently insufficient to determine the role of this variant in disease. Therefore, it has been classified as a Variant of Uncertain Significance.

Ambry Genetics
Classification: Uncertain significance for Inborn genetic diseases. Last evaluated: 2021-11-29. Review status: criteria provided, single submitter. Criteria: Ambry Variant Classification Scheme 2023. Collection method: clinical testing. Allele origin: germline.